The following is an entry in ClinVar:

NM_001134831.2(AHI1):c.1959C>A (p.His653Gln)

Gene: AHI1 (Abelson helper integration site 1; minus strand). Cytogenetic location: 6q23.3.
Variant type: single nucleotide variant.
Coding change: c.1959C>A on transcript NM_001134831.2 (MANE Select); coding-DNA position 1959, C replaced by A.
Protein change: p.His653Gln; replaces histidine 653 with glutamine.
Molecular consequence: missense variant.
Genome position (GRCh38, 1-based): chr6:135,438,452, G>T on the plus strand (C>A on the coding strand, the complement: AHI1 is on the minus strand). VCF-style: chr6-135438452-G-T. GRCh37 (hg19) VCF-style: chr6-135759590-G-T.
Other names: c.1959C>A, p.His653Gln (NM_001134830.2, NM_001134832.2, NM_001350503.2 and 2 more transcripts); short protein forms H653Q.
Identifiers: ClinVar variation 2047216 (VCV002047216.2), dbSNP rs1294339180, ClinGen allele CA365744291.

ClinVar aggregate classification (germline): Uncertain significance (1 of 4 stars; one submission).

Conditions:
Joubert syndrome. Also called: CEREBELLOPARENCHYMAL DISORDER IV; JOUBERT-BOLTSHAUSER SYNDROME; Familial aplasia of the vermis. Identifiers: Orphanet 475, MedGen C5979921, MONDO:0018772.

Submission:

Labcorp Genetics (formerly Invitae), Labcorp
Classification: Uncertain significance for Joubert syndrome. Last evaluated: 2022-10-13. Review status: criteria provided, single submitter. Criteria: Invitae Variant Classification Sherloc (09022015). Collection method: clinical testing. Allele origin: germline.
Comment: In summary, the available evidence is currently insufficient to determine the role of this variant in disease. Therefore, it has been classified as a Variant of Uncertain Significance. Advanced modeling of protein sequence and biophysical properties (such as structural, functional, and spatial information, amino acid conservation, physicochemical variation, residue mobility, and thermodynamic stability) performed at Invitae indicates that this missense variant is expected to disrupt AHI1 protein function. This variant has not been reported in the literature in individuals affected with AHI1-related conditions. This variant is not present in population databases (gnomAD no frequency). This sequence change replaces histidine, which is basic and polar, with glutamine, which is neutral and polar, at codon 653 of the AHI1 protein (p.His653Gln).